The following is an entry in ClinVar:

NM_001024630.4(RUNX2):c.423+3A>G

Gene: RUNX2 (RUNX family transcription factor 2; plus strand). Cytogenetic location: 6p21.1.
Variant type: single nucleotide variant.
Coding change: c.423+3A>G on transcript NM_001024630.4 (MANE Select); 3 bases into the intron after coding-DNA position 423, A replaced by G.
Molecular consequence: intron variant.
Genome position (GRCh38, 1-based): chr6:45,422,960, A>G. VCF-style: chr6-45422960-A-G. GRCh37 (hg19) VCF-style: chr6-45390697-A-G.
Other names: c.423+3A>G (NM_001015051.4); c.381+3A>G (NM_001369405.1, NM_001278478.2).
Identifiers: ClinVar variation 2506240 (VCV002506240.1), dbSNP rs1231715575, ClinGen allele CA567156265.
Genomic context (GRCh38, chr6:45,422,960, plus strand): 5'-GTGCTCGGTGCTGCCCTCGCACTGGCGCTGCAACAAGACCCTGCCCGTGGCCTTCAAGGT[A>G]AGAGGCTACACCGCCCCCCGCCCCCGGCCGGGAGCGGCGGAACCTGCCCGCCGGTGTCTT-3'

ClinVar aggregate classification (germline): Uncertain significance (1 of 4 stars; one submission).

Allele frequency attached by ClinVar (database versions not stated): gnomAD exomes below 0.00001; gnomAD 0.00001; TOPMed 0.00001.
gnomAD v4.1: 4 of 1,609,096 alleles (0.00025%); highest among the groups gnomAD compares: African/African-American, 0.004%; no homozygotes.

Submission:

Women's Health and Genetics/Laboratory Corporation of America, LabCorp
Classification: Uncertain significance. Last evaluated: 2023-05-04. Review status: criteria provided, single submitter. Criteria: LabCorp Variant Classification Summary - May 2015. Collection method: clinical testing. Allele origin: germline.
Comment: Variant summary: RUNX2 c.423+3A>G alters a non-conserved nucleotide located close to a canonical splice site and therefore could affect mRNA splicing, leading to a significantly altered protein sequence. 4/4 computational tools predict no significant impact on normal splicing. However, these predictions have yet to be confirmed by functional studies. The variant allele was found at a frequency of 4.1e-06 in 242652 control chromosomes (gnomAD v2.1). The available data on variant occurrences in the general population are insufficient to allow any conclusion about variant significance. To our knowledge, no occurrence of c.423+3A>G in individuals affected with Cleidocranial Dysplasia and no experimental evidence demonstrating its impact on protein function have been reported. No clinical diagnostic laboratories have submitted clinical-significance assessments for this variant to ClinVar after 2014. Based on the evidence outlined above, the variant was classified as VUS-possibly benign.